The following is an entry in ClinVar:

ClinVar aggregate classification (germline): Uncertain significance. Review status: criteria provided, multiple submitters, no conflicts (2 of 4 stars). 4 submissions from 4 submitters: Uncertain significance (4). Last evaluated 2026-06-02.

Conditions:
Hereditary cancer-predisposing syndrome. Also called: Hereditary Cancer Syndrome; Hereditary neoplastic syndrome; Tumor predisposition; Neoplastic Syndromes, Hereditary. Identifiers: Orphanet 140162, MedGen C0027672, MeSH D009386, MONDO:0015356.
Multiple endocrine neoplasia type 2B. Also called: Multiple endocrine neoplasia, type 3; MEN 2B; MULTIPLE ENDOCRINE NEOPLASIA, TYPE IIB; MUCOSAL NEUROMA SYNDROME; Multiple Endocrine Neoplasia Type 2B (MEN2B); MEN IIB. Identifiers: Orphanet 247709, Orphanet 653, MedGen C0025269, MeSH D018814, MONDO:0008082, OMIM 162300.
Hirschsprung disease, susceptibility to, 1 (HSCR1). Also called: RET-Related Hirschsprung Disease. Identifiers: Orphanet 388, MedGen C3888239, MONDO:0007723, OMIM 142623.
Pheochromocytoma. Also called: MAX-Related Hereditary Paraganglioma-Pheochromocytoma Syndrome. Identifiers: Orphanet 29072, MedGen C0031511, MONDO:0008233, OMIM 171300, HP:0002666.
Multiple endocrine neoplasia type 2A. Also called: MULTIPLE ENDOCRINE NEOPLASIA, TYPE IIA; PTC SYNDROME; SIPPLE SYNDROME; MEN 2A; MEN-2A syndrome; Pheochromocytoma and amyloid producing medullary thyroid carcinoma. Identifiers: Orphanet 247698, Orphanet 653, MedGen C0025268, MeSH D018813, MONDO:0008234, OMIM 171400.
Familial medullary thyroid carcinoma (MTC). Also called: Thyroid cancer, familial medullary; MTC, familial; Familial Medullary Thyroid Carcinoma (FMTC). Identifiers: Orphanet 653, Orphanet 99361, MedGen C1833921, MONDO:0007958, OMIM 155240.
Multiple endocrine neoplasia, type 2 (MEN2). Identifiers: Orphanet 653, MedGen C4048306, MONDO:0019003. Disease mechanism: gain of function.

Allele frequency attached by ClinVar (database versions not stated): gnomAD exomes below 0.00001; TOPMed below 0.00001; ESP Exome Variant Server 0.00008.
gnomAD v4.1: 6 of 1,614,212 alleles (0.00037%); highest among the groups gnomAD compares: Non-Finnish European, 0.00051%; no homozygotes.

Submissions (4):

Ambry Genetics
Classification: Uncertain significance for Hereditary cancer-predisposing syndrome. Last evaluated: 2026-06-02. Review status: criteria provided, single submitter. Criteria: Ambry Variant Classification Scheme 2023. Collection method: clinical testing. Allele origin: germline.
Comment: The p.K1011E variant (also known as c.3031A>G), located in coding exon 18 of the RET gene, results from an A to G substitution at nucleotide position 3031. The lysine at codon 1011 is replaced by glutamic acid, an amino acid with similar properties. This variant was detected as heterozygous in individual(s) with no reported features of multiple endocrine neoplasia type 2 or Hirschsprung disease (Ambry internal data). This amino acid position is highly conserved in available vertebrate species. In addition, this alteration is predicted to be deleterious by in silico analysis. Based on the available evidence, the clinical significance of this variant remains unclear.

Labcorp Genetics (formerly Invitae), Labcorp
Classification: Uncertain significance for Multiple endocrine neoplasia, type 2. Last evaluated: 2024-08-31. Review status: criteria provided, single submitter. Criteria: Invitae Variant Classification Sherloc (09022015). Collection method: clinical testing. Allele origin: germline.
Comment: This sequence change replaces lysine, which is basic and polar, with glutamic acid, which is acidic and polar, at codon 1011 of the RET protein (p.Lys1011Glu). This variant is not present in population databases (gnomAD no frequency). This variant has not been reported in the literature in individuals affected with RET-related conditions. ClinVar contains an entry for this variant (Variation ID: 972031). An algorithm developed to predict the effect of missense changes on protein structure and function (PolyPhen-2) suggests that this variant¬†is likely to be tolerated. In summary, the available evidence is currently insufficient to determine the role of this variant in disease. Therefore, it has been classified as a Variant of Uncertain Significance.

All of Us Research Program, National Institutes of Health
Classification: Uncertain significance for Multiple endocrine neoplasia, type 2. Last evaluated: 2023-11-02. Review status: criteria provided, single submitter. Criteria: ACMG Guidelines, 2015. Collection method: clinical testing. Allele origin: germline. Inheritance: Autosomal dominant inheritance. Observed: 1 variant allele, 1 heterozygote.
Comment: This missense variant replaces lysine with glutamic acid at codon 1011 of the RET protein. Computational prediction is inconclusive regarding the impact of this variant on protein structure and function (internally defined REVEL score threshold 0.5 < inconclusive < 0.7, PMID: 27666373). To our knowledge, functional studies have not been reported for this variant. This variant has not been reported in individuals affected with hereditary cancer in the literature. This variant has not been identified in the general population by the Genome Aggregation Database (gnomAD). The available evidence is insufficient to determine the role of this variant in disease conclusively. Therefore, this variant is classified as a Variant of Uncertain Significance.

This study involves interpretation of variants in research participants for the purpose of population health screening. Participant phenotype was not available at the time of variant classification. Additional details can be found in publication PMID: 35346344, PMCID: PMC8962531

Fulgent Genetics
Classification: Uncertain significance for Hirschsprung disease, susceptibility to, 1; Familial medullary thyroid carcinoma; Multiple endocrine neoplasia type 2B; Pheochromocytoma; Multiple endocrine neoplasia type 2A. Last evaluated: 2022-02-10. Review status: criteria provided, single submitter. Criteria: ACMG Guidelines, 2015. Collection method: clinical testing. Allele origin: unknown.

NM_020975.6(RET):c.3031A>G (p.Lys1011Glu)

Gene: RET (ret proto-oncogene; plus strand). Cytogenetic location: 10q11.21.
Variant type: single nucleotide variant.
Coding change: c.3031A>G on transcript NM_020975.6 (MANE Select); coding-DNA position 3031, A replaced by G.
Protein change: p.Lys1011Glu; replaces lysine 1011 with glutamic acid.
Molecular consequence: missense variant.
Genome position (GRCh38, 1-based): chr10:43,124,974, A>G. VCF-style: chr10-43124974-A-G. GRCh37 (hg19) VCF-style: chr10-43620422-A-G.
Other names: c.2902A>G, p.Lys968Glu (NM_001406762.1, NM_001406764.1, NM_001406761.1); c.2896A>G, p.Lys966Glu (NM_001406763.1, NM_001406765.1); c.2743A>G, p.Lys915Glu (NM_001406766.1, NM_001406767.1, NM_001406770.1); c.2767A>G, p.Lys923Glu (NM_001406768.1); c.2635A>G, p.Lys879Glu (NM_001406769.1, NM_001406772.1); c.2134A>G, p.Lys712Glu (NM_001406781.1, NM_001406782.1, NM_001406779.1 and 1 more transcripts); c.2005A>G, p.Lys669Glu (NM_001406783.1, NM_001406786.1); c.2041A>G, p.Lys681Glu (NM_001406784.1); and 10 more; short protein forms K757E, K1011E, K712E, K865E, K879E, K923E, K528E, K576E.
Identifiers: ClinVar variation 972031 (VCV000972031.13), dbSNP rs368345402, ClinGen allele CA206267567.
Genomic context (GRCh38, chr10:43,124,974, plus strand): 5'-GAGCCGGACAAAAGGCCGGTGTTTGCGGACATCAGCAAAGACCTGGAGAAGATGATGGTT[A>G]AGAGGAGAGTGAGTGCCTGGGTCCAATTCCCACAAGCTGAAAGTGGCTTGGGGAGACTCC-3'
Protein context (NP_066124.1, residues 1001-1021): ISKDLEKMMV[Lys1011Glu]RRDYLDLAAS